The following is an entry in ClinVar:

NM_002335.4(LRP5):c.34CTG[5] (p.Leu17_Leu20del)

Gene: LRP5 (LDL receptor related protein 5; plus strand). Cytogenetic location: 11q13.2.
Variant type: Microsatellite.
Coding change: c.34CTG[5] on transcript NM_002335.4 (MANE Select); five copies in a row of the 3-base unit CTG starting at c.34; the reference has nine copies in a row; four copies, 12 bases deleted.
Protein change: p.Leu17_Leu20del.
Molecular consequence: inframe deletion. On other transcripts: 5 prime UTR variant (1).
Genome position (GRCh38, 1-based): chr11:68,312,763-68,312,774, CTGCTGCTGCTG deleted; deleting any 12 consecutive bases within chr11:68,312,747-68,312,774 gives the same sequence; the position shown is the placement nearest the transcript's 3' end. VCF-style (leftmost placement, unchanged base first): chr11-68312746-CGCTGCTGCTGCT-C. GRCh37 (hg19) VCF-style: chr11-68080214-CGCTGCTGCTGCT-C.
Other names: c.49_60del12 (NM_002335.3); c.-1732CTG[5] (NM_001291902.2).
Identifiers: ClinVar variation 1904218 (VCV001904218.7), dbSNP rs72555376, ClinGen allele CA679589755.

ClinVar aggregate classification (germline): Uncertain significance. Review status: criteria provided, multiple submitters, no conflicts (2 of 4 stars). 3 submissions from 3 submitters: Uncertain significance (3). Last evaluated 2026-02-19.

Conditions:
LRP5-related disorder. Also called: LRP5-related condition.

Submissions (3):

PreventionGenetics, part of Exact Sciences
Classification: Uncertain significance for LRP5-related condition. Last evaluated: 2026-02-19. Review status: criteria provided, single submitter. Criteria: ACMG Guidelines, 2015. Collection method: clinical testing. Allele origin: germline.
Comment: The LRP5 c.49_60del12 variant is predicted to result in an in-frame deletion (p.Leu17_Leu20del). To our knowledge, this variant has not been reported in the literature or in a large population database (gnomAD), indicating this variant is rare. At this time, the clinical significance of this variant is uncertain due to the absence of conclusive functional and genetic evidence.

Labcorp Genetics (formerly Invitae), Labcorp
Classification: Uncertain significance. Last evaluated: 2026-01-20. Review status: criteria provided, single submitter. Criteria: Invitae Variant Classification Sherloc (09022015). Collection method: clinical testing. Allele origin: germline.
Comment: This variant, c.49_60del, results in the deletion of 4 amino acid(s) of the LRP5 protein (p.Leu17_Leu20del), but otherwise preserves the integrity of the reading frame. The frequency data for this variant in the population databases is considered unreliable, as metrics indicate insufficient coverage at this position in the gnomAD database. This variant has not been reported in the literature in individuals affected with LRP5-related conditions. Experimental studies and prediction algorithms are not available or were not evaluated, and the functional significance of this variant is currently unknown. In summary, the available evidence is currently insufficient to determine the role of this variant in disease. Therefore, it has been classified as a Variant of Uncertain Significance.

Blueprint Genetics
Classification: Uncertain significance. Last evaluated: 2024-01-09. Review status: criteria provided, single submitter. Criteria: ACMG Guidelines, 2015. Collection method: clinical testing. Allele origin: germline.